The following is an entry in ClinVar:

ClinVar aggregate classification (germline): Uncertain significance (1 of 4 stars; one submission).

Allele frequency attached by ClinVar (database versions not stated): TOPMed 0.00003; gnomAD 0.00004; gnomAD exomes 0.00004.
gnomAD v4.1: 60 of 1,566,700 alleles (0.0038%); highest among the groups gnomAD compares: Middle Eastern, 0.017%; no homozygotes.

Submission:

Labcorp Genetics (formerly Invitae), Labcorp
Classification: Uncertain significance. Last evaluated: 2025-12-10. Review status: criteria provided, single submitter. Criteria: Invitae Variant Classification Sherloc (09022015). Collection method: clinical testing. Allele origin: germline.
Comment: This sequence change replaces proline, which is neutral and non-polar, with leucine, which is neutral and non-polar, at codon 57 of the FBN3 protein (p.Pro57Leu). The frequency data for this variant in the population databases is considered unreliable, as metrics indicate poor data quality at this position in the gnomAD database. This variant has not been reported in the literature in individuals affected with FBN3-related conditions. ClinVar contains an entry for this variant (Variation ID: 2421245). An algorithm developed to predict the effect of missense changes on protein structure and function (PolyPhen-2) suggests that this variant is likely to be disruptive. In summary, the available evidence is currently insufficient to determine the role of this variant in disease. Therefore, it has been classified as a Variant of Uncertain Significance.

NM_032447.5(FBN3):c.170C>T (p.Pro57Leu)

Gene: FBN3 (fibrillin 3; minus strand). Cytogenetic location: 19p13.2.
Variant type: single nucleotide variant.
Coding change: c.170C>T on transcript NM_032447.5 (MANE Select); coding-DNA position 170, C replaced by T.
Protein change: p.Pro57Leu; replaces proline 57 with leucine.
Molecular consequence: missense variant.
Genome position (GRCh38, 1-based): chr19:8,147,184, G>A on the plus strand (C>T on the coding strand, the complement: FBN3 is on the minus strand). VCF-style: chr19-8147184-G-A. GRCh37 (hg19) VCF-style: chr19-8212068-G-A.
Other names: c.170C>T, p.Pro57Leu (NM_001321431.2); short protein forms P57L.
Identifiers: ClinVar variation 2421245 (VCV002421245.6), dbSNP rs779630680, ClinGen allele CA9153840.